The following is an entry in ClinVar:

ClinVar aggregate classification (germline): Likely pathogenic (1 of 4 stars; one submission).

Conditions:
Charcot-Marie-Tooth disease type 4D. Also called: CHARCOT-MARIE-TOOTH DISEASE, DEMYELINATING, TYPE 4D; CHARCOT-MARIE-TOOTH DISEASE, DEMYELINATING, AUTOSOMAL RECESSIVE, TYPE 4D; NEUROPATHY, HEREDITARY MOTOR AND SENSORY, LOM TYPE; Charcot-Marie-Tooth Neuropathy Type 4D. Identifiers: Orphanet 99950, MedGen C1832334, MONDO:0011085, OMIM 601455.

Submission:

Natera, Inc.
Classification: Likely pathogenic for Charcot-Marie-Tooth disease type 4D. Last evaluated: 2024-05-16. Review status: criteria provided, single submitter. Criteria: Natera Variant Classification Schema (03/2026). Collection method: clinical testing. Allele origin: germline.
Comment: The c.693C>A variant in NDRG1 is a nonsense variant predicted to introduce a stop codon at amino acid 231. This variant is expected to result in nonsense mediated decay, truncation, or a dysfunctional protein product. This variant is rare in the general population with a frequency below the threshold expected for the associated phenotype(s). Given the available evidence, this variant is classified as Likely Pathogenic.

NM_006096.4(NDRG1):c.693C>A (p.Tyr231Ter)

Gene: NDRG1 (N-myc downstream regulated 1; minus strand). Cytogenetic location: 8q24.22.
Variant type: single nucleotide variant.
Coding change: c.693C>A on transcript NM_006096.4 (MANE Select); coding-DNA position 693, C replaced by A.
Protein change: p.Tyr231Ter; replaces tyrosine 231 with a stop codon.
Molecular consequence: nonsense.
Genome position (GRCh38, 1-based): chr8:133,250,445, G>T on the plus strand (C>A on the coding strand, the complement: NDRG1 is on the minus strand). VCF-style: chr8-133250445-G-T. GRCh37 (hg19) VCF-style: chr8-134262688-G-T.
Other names: c.693C>A, p.Tyr231Ter (NM_001135242.2, NM_001374845.1, NM_001374846.1); c.495C>A, p.Tyr165Ter (NM_001258432.2, NM_001374847.1); c.450C>A, p.Tyr150Ter (NM_001258433.2); c.744C>A, p.Tyr248Ter (NM_001374844.1); short protein forms Y150*, Y165*, Y231*, Y248*.
Identifiers: ClinVar variation 4815495 (VCV004815495.1).